The following is an entry in ClinVar:

ClinVar aggregate classification (germline): Uncertain significance. Review status: criteria provided, multiple submitters, no conflicts (2 of 4 stars). 2 submissions from 2 submitters: Uncertain significance (2). Last evaluated 2025-09-11.

Conditions:
ALG9 congenital disorder of glycosylation (CDG1L). Also called: CDG Il; CONGENITAL DISORDER OF GLYCOSYLATION, TYPE Il; ALG9-CDG. Identifiers: Orphanet 79328, MedGen C2931006, MONDO:0012117, OMIM 608776.

Allele frequency attached by ClinVar (database versions not stated): ExAC 0.00004; gnomAD 0.00004 and 0.00005; gnomAD exomes 0.00004 and 0.00007; TOPMed 0.00006; ESP Exome Variant Server 0.00015.
gnomAD v4.1: 114 of 1,613,276 alleles (0.0071%); highest among the groups gnomAD compares: Non-Finnish European, 0.0092%; no homozygotes.

Submissions (2):

GeneDx
Classification: Uncertain significance. Last evaluated: 2025-09-11. Review status: criteria provided, single submitter. Criteria: GeneDx Variant Classification Process June 2021. Collection method: clinical testing. Allele origin: germline. Affected: yes.
Comment: Not observed at significant frequency in large population cohorts (gnomAD); In silico analysis suggests that this missense variant does not alter protein structure/function; Has not been previously published as pathogenic or benign to our knowledge

Labcorp Genetics (formerly Invitae), Labcorp
Classification: Uncertain significance for ALG9 congenital disorder of glycosylation. Last evaluated: 2022-07-08. Review status: criteria provided, single submitter. Criteria: Invitae Variant Classification Sherloc (09022015). Collection method: clinical testing. Allele origin: germline.
Comment: This sequence change replaces lysine, which is basic and polar, with arginine, which is basic and polar, at codon 172 of the ATP6V0A2 protein (p.Lys172Arg). This variant is present in population databases (rs142935490, gnomAD 0.009%). This variant has not been reported in the literature in individuals affected with ATP6V0A2-related conditions. ClinVar contains an entry for this variant (Variation ID: 392359). Algorithms developed to predict the effect of missense changes on protein structure and function are either unavailable or do not agree on the potential impact of this missense change (SIFT: "Tolerated"; PolyPhen-2: "Possibly Damaging"; Align-GVGD: "Class C0"). In summary, the available evidence is currently insufficient to determine the role of this variant in disease. Therefore, it has been classified as a Variant of Uncertain Significance.

NM_012463.4(ATP6V0A2):c.515A>G (p.Lys172Arg)

Gene: ATP6V0A2 (ATPase H+ transporting V0 subunit a2; plus strand). Cytogenetic location: 12q24.31.
Variant type: single nucleotide variant.
Coding change: c.515A>G on transcript NM_012463.4 (MANE Select); coding-DNA position 515, A replaced by G.
Protein change: p.Lys172Arg; replaces lysine 172 with arginine.
Molecular consequence: missense variant.
Genome position (GRCh38, 1-based): chr12:123,726,279, A>G. VCF-style: chr12-123726279-A-G. GRCh37 (hg19) VCF-style: chr12-124210826-A-G.
Other names: short protein forms K172R.
Identifiers: ClinVar variation 392359 (VCV000392359.8), dbSNP rs142935490, ClinGen allele CA6861636.